The following is an entry in ClinVar:

ClinVar aggregate classification (germline): Conflicting classifications of pathogenicity. Review status: criteria provided, conflicting classifications (1 of 4 stars). 3 submissions from 3 submitters: Uncertain significance (1); Likely benign (2). Last evaluated 2026-03-01.

Conditions:
Inborn genetic diseases. Identifiers: MedGen C0950123, MeSH D030342.

Allele frequency attached by ClinVar (database versions not stated): ESP Exome Variant Server 0.00023; gnomAD exomes 0.00024 and 0.00008; ExAC 0.00006; TOPMed 0.00011; gnomAD 0.00015 and 0.00016.
gnomAD v4.1: 357 of 1,613,954 alleles (0.022%); highest among the groups gnomAD compares: Non-Finnish European, 0.03%; no homozygotes.

Submissions (3):

CeGaT Center for Human Genetics Tuebingen
Classification: Likely benign. Last evaluated: 2026-03-01. Review status: criteria provided, single submitter. Criteria: CeGaT Center For Human Genetics Tuebingen Variant Classification Criteria Version 2. Collection method: clinical testing. Allele origin: germline. Affected: yes. Observed: 1 variant allele.
Comment: SCN3A: BS1

Labcorp Genetics (formerly Invitae), Labcorp
Classification: Uncertain significance. Last evaluated: 2025-11-23. Review status: criteria provided, single submitter. Criteria: Invitae Variant Classification Sherloc (09022015). Collection method: clinical testing. Allele origin: germline.
Comment: This sequence change replaces glutamic acid, which is acidic and polar, with lysine, which is basic and polar, at codon 1809 of the SCN3A protein (p.Glu1809Lys). This variant is present in population databases (rs370463938, gnomAD 0.02%). This missense change has been observed in individual(s) with SCN3A-related disorders (PMID: 41165134). ClinVar contains an entry for this variant (Variation ID: 403875). Invitae Evidence Modeling of protein sequence and biophysical properties (such as structural, functional, and spatial information, amino acid conservation, physicochemical variation, residue mobility, and thermodynamic stability) indicates that this missense variant is not expected to disrupt SCN3A protein function with a negative predictive value of 95%. Experimental studies have shown that this missense change affects SCN3A function (PMID: 41165134). In summary, the available evidence is currently insufficient to determine the role of this variant in disease. Therefore, it has been classified as a Variant of Uncertain Significance.

Ambry Genetics
Classification: Likely benign for Inborn genetic diseases. Last evaluated: 2023-05-24. Review status: criteria provided, single submitter. Criteria: Ambry Variant Classification Scheme 2023. Collection method: clinical testing. Allele origin: germline.

Literature cited by the submitters: PubMed 41165134 (cited by Labcorp Genetics (formerly Invitae), Labcorp).

NM_006922.4(SCN3A):c.5425G>A (p.Glu1809Lys)

Gene: SCN3A (sodium voltage-gated channel alpha subunit 3; minus strand). Cytogenetic location: 2q24.3.
Variant type: single nucleotide variant.
Coding change: c.5425G>A on transcript NM_006922.4 (MANE Select); coding-DNA position 5425, G replaced by A.
Protein change: p.Glu1809Lys; replaces glutamic acid 1809 with lysine.
Molecular consequence: missense variant.
Genome position (GRCh38, 1-based): chr2:165,090,728, C>T on the plus strand (G>A on the coding strand, the complement: SCN3A is on the minus strand). VCF-style: chr2-165090728-C-T. GRCh37 (hg19) VCF-style: chr2-165947238-C-T.
Other names: c.5278G>A, p.Glu1760Lys (NM_001081676.2, NM_001081677.2); short protein forms E1809K, E1760K.
Identifiers: ClinVar variation 403875 (VCV000403875.14), dbSNP rs370463938, ClinGen allele CA1938406.